The following is an entry in ClinVar:

NM_182961.4(SYNE1):c.2728-5T>A

Gene: SYNE1 (spectrin repeat containing nuclear envelope protein 1; minus strand). Cytogenetic location: 6q25.2.
Variant type: single nucleotide variant.
Coding change: c.2728-5T>A on transcript NM_182961.4 (MANE Select); 5 bases into the intron before coding-DNA position 2728, T replaced by A.
Molecular consequence: intron variant.
Genome position (GRCh38, 1-based): chr6:152,455,595, A>T on the plus strand (T>A on the coding strand, the complement: SYNE1 is on the minus strand). VCF-style: chr6-152455595-A-T. GRCh37 (hg19) VCF-style: chr6-152776730-A-T.
Other names: c.2749-5T>A (NM_033071.5).
Identifiers: ClinVar variation 1404444 (VCV001404444.6), dbSNP rs775558169, ClinGen allele CA4059037.

ClinVar aggregate classification (germline): Uncertain significance (1 of 4 stars; one submission).

Conditions:
Emery-Dreifuss muscular dystrophy 4, autosomal dominant (EDMD4). Also called: EMERY-DREIFUSS MUSCULAR DYSTROPHY 4 WITH VARIABLE FEATURES. Identifiers: Orphanet 261, MedGen C2751807, MONDO:0013071, OMIM 612998.
Autosomal recessive ataxia, Beauce type. Also called: SYNE1-Related Autosomal Recessive Cerebellar Ataxia; Spinocerebellar ataxia, autosomal recessive 8; ATAXIA, RECESSIVE, OF BEAUCE; SYNE1 Deficiency. Identifiers: Orphanet 88644, MedGen C1853116, MONDO:0012549, OMIM 610743.

Allele frequency attached by ClinVar (database versions not stated): TOPMed below 0.00001; gnomAD exomes 0.00001; ExAC 0.00002.
gnomAD v4.1: 13 of 1,614,150 alleles (0.00081%); highest among the groups gnomAD compares: Non-Finnish European, 0.0011%; no homozygotes.

Submission:

Labcorp Genetics (formerly Invitae), Labcorp
Classification: Uncertain significance for Emery-Dreifuss muscular dystrophy 4, autosomal dominant; Autosomal recessive ataxia, Beauce type. Last evaluated: 2024-10-02. Review status: criteria provided, single submitter. Criteria: Invitae Variant Classification Sherloc (09022015). Collection method: clinical testing. Allele origin: germline.
Comment: This sequence change falls in intron 23 of the SYNE1 gene. It does not directly change the encoded amino acid sequence of the SYNE1 protein. This variant is present in population databases (rs775558169, gnomAD 0.003%). This variant has not been reported in the literature in individuals affected with SYNE1-related conditions. ClinVar contains an entry for this variant (Variation ID: 1404444). Algorithms developed to predict the effect of sequence changes on RNA splicing suggest that this variant may create or strengthen a splice site. In summary, the available evidence is currently insufficient to determine the role of this variant in disease. Therefore, it has been classified as a Variant of Uncertain Significance.